The following is an entry in ClinVar:

ClinVar aggregate classification (germline): Likely pathogenic (1 of 4 stars; one submission).

Submission:

GeneDx
Classification: Likely pathogenic. Last evaluated: 2026-03-06. Review status: criteria provided, single submitter. Criteria: GeneDx Variant Classification Process June 2021. Collection method: clinical testing. Allele origin: germline.
Comment: Nonsense variant predicted to result in protein truncation or nonsense mediated decay in a gene for which loss of function is a known mechanism of disease; Not observed at significant frequency in large population cohorts (gnomAD); Has not been previously published as pathogenic or benign to our knowledge

NM_033026.6(PCLO):c.14143C>T (p.Gln4715Ter)

Gene: PCLO (piccolo presynaptic cytomatrix protein; minus strand). Cytogenetic location: 7q21.11.
Variant type: single nucleotide variant.
Coding change: c.14143C>T on transcript NM_033026.6 (MANE Select); coding-DNA position 14143, C replaced by T.
Protein change: p.Gln4715Ter; replaces glutamine 4715 with a stop codon.
Molecular consequence: nonsense.
Genome position (GRCh38, 1-based): chr7:82,838,297, G>A on the plus strand (C>T on the coding strand, the complement: PCLO is on the minus strand). VCF-style: chr7-82838297-G-A. GRCh37 (hg19) VCF-style: chr7-82467613-G-A.
Other names: c.14143C>T, p.Gln4715Ter (NM_014510.3); short protein forms Q4715*.
Identifiers: ClinVar variation 3903283 (VCV003903283.2).
Genomic context (GRCh38, chr7:82,838,297, plus strand): 5'-ACACTTTCACAAAAGGGTCAGAATAACCATTGTTGTCTCGAGGAACAAGATTTCTTGCTT[G>A]GAGAATATGTATTATGAGATTTCCAAGATCATAGTTAATTTGAAGCTTTAGGAGAGAGAA-3'